The following is an entry in ClinVar:

NM_001387430.1(SH2B1):c.1747G>A (p.Glu583Lys)

Gene: SH2B1 (SH2B adaptor protein 1; plus strand). Cytogenetic location: 16p11.2.
Variant type: single nucleotide variant.
Coding change: c.1747G>A on transcript NM_001387430.1 (MANE Select); coding-DNA position 1747, G replaced by A.
Protein change: p.Glu583Lys; replaces glutamic acid 583 with lysine.
Molecular consequence: missense variant.
Genome position (GRCh38, 1-based): chr16:28,872,555, G>A. VCF-style: chr16-28872555-G-A. GRCh37 (hg19) VCF-style: chr16-28883876-G-A.
Other names: c.1747G>A, p.Glu583Lys (NM_001145795.2, NM_001145796.2, NM_001145797.2 and 4 more transcripts); c.739G>A, p.Glu247Lys (NM_001308294.2); short protein forms E247K, E583K.
Identifiers: ClinVar variation 5008642 (VCV005008642.1).

ClinVar aggregate classification (germline): Uncertain significance (1 of 4 stars; one submission).

gnomAD v4.1: 34 of 1,612,206 alleles (0.0021%); highest among the groups gnomAD compares: Non-Finnish European, 0.0027%; no homozygotes.

Submission:

GeneDx
Classification: Uncertain significance. Last evaluated: 2026-03-08. Review status: criteria provided, single submitter. Criteria: GeneDx Variant Classification Process June 2021. Collection method: clinical testing. Allele origin: germline.
Comment: Not observed at significant frequency in large population cohorts (gnomAD); In silico analysis suggests that this missense variant does not alter protein structure/function; Has not been previously published as pathogenic or benign to our knowledge